The following is an entry in ClinVar:

ClinVar aggregate classification (germline): Benign/Likely benign. Review status: criteria provided, multiple submitters, no conflicts (2 of 4 stars). 16 submissions from 16 submitters: Benign (9); Likely benign (2). 5 of the submissions do not count toward it. Last evaluated 2026-09-08.

Conditions:
Fabry disease. Also called: CERAMIDE TRIHEXOSIDASE DEFICIENCY; ALPHA-GALACTOSIDASE A DEFICIENCY; ANDERSON-FABRY DISEASE; GLA DEFICIENCY; HEREDITARY DYSTOPIC LIPIDOSIS; Fabry's disease. Identifiers: Orphanet 324, MedGen C0002986, MONDO:0010526, OMIM 301500, HP:0001071. Disease mechanism: Fabry disease is due to inactivating mutations in the X-linked GLA gene resulting in deficiency of the enzyme Alpha Galactosidase-A., loss of function.

Allele frequency attached by ClinVar (database versions not stated): gnomAD exomes 0.03958 and 0.06066; ExAC 0.06110; gnomAD 0.06554 and 0.06619; ESP Exome Variant Server 0.07167; TOPMed 0.07643; 1000 Genomes Project 0.09881; 1000 Genomes Project 30x 0.10385.
gnomAD v4.1: 50,728 of 1,200,657 alleles (4.2%); highest among the groups gnomAD compares: African/African-American, 14%; 1,251 homozygotes.

Submissions (16):

Genomenon, Inc
Classification: Benign for Fabry disease. Last evaluated: 2026-09-08. Review status: criteria provided, single submitter. Criteria: Genomenon Sequence Variant Interpretation Standards - Updated. Collection method: curation. Allele origin: germline. Affected: no.
Comment: GLA c.-12G>A is a variant located in the 5′ untranslated region (5′ UTR). This variant is present at high allele frequency in population databases. We classify GLA c.-12G>A as a benign variant.

Labcorp Genetics (formerly Invitae), Labcorp
Classification: Benign for Fabry disease. Last evaluated: 2025-11-17. Review status: criteria provided, single submitter. Criteria: Invitae Variant Classification Sherloc (09022015). Collection method: clinical testing. Allele origin: germline.

Blueprint Genetics
Classification: Benign. Last evaluated: 2024-11-28. Review status: criteria provided, single submitter. Criteria: ACMG Guidelines, 2015. Collection method: clinical testing. Allele origin: germline.

Genome-Nilou Lab
Classification: Benign for Fabry disease. Last evaluated: 2021-07-15. Review status: criteria provided, single submitter. Criteria: ACMG Guidelines, 2015. Collection method: clinical testing. Allele origin: germline. Affected: no.

Color Diagnostics, LLC DBA Color Health
Classification: Benign for Fabry disease. Last evaluated: 2018-03-19. Review status: criteria provided, single submitter. Criteria: ACMG Guidelines, 2015. Collection method: clinical testing. Allele origin: germline.

Illumina Laboratory Services, Illumina
Classification: Likely benign for Fabry disease. Last evaluated: 2018-01-19. Review status: criteria provided, single submitter. Criteria: ICSL Variant Classification Criteria 13 December 2019. Collection method: clinical testing. Allele origin: germline.
Comment: This variant was observed as part of a predisposition screen in an ostensibly healthy population. A literature search was performed for the gene, cDNA change, and amino acid change (where applicable). No publications were found based on this search. Allele frequency data from public databases allowed determination this variant is unlikely to cause disease. Therefore, this variant is classified as likely benign.

Eurofins Ntd Llc (ga)
Classification: Benign. Last evaluated: 2018-01-11. Review status: criteria provided, single submitter. Criteria: EGL Classification Definitions 2015. Collection method: clinical testing. Allele origin: germline. Observed: 24 variant alleles, 21 heterozygotes, 3 hemizygotes.

GeneDx
Classification: Benign. Last evaluated: 2015-03-03. Review status: criteria provided, single submitter. Criteria: GeneDx Variant Classification Process June 2021. Collection method: clinical testing. Allele origin: germline. Affected: yes.
Comment: This variant is associated with the following publications: (PMID: 25772321)

Laboratory for Molecular Medicine, Mass General Brigham Personalized Medicine
Classification: Benign. Last evaluated: 2012-04-17. Review status: criteria provided, single submitter. Criteria: LMM Criteria. Collection method: clinical testing. Allele origin: germline. Observed: 208 variant alleles.
Comment: -12G>A in the 5' UTR of GLA: This variant is not expected to have clinical signi ficance because it has been identified in 14.5% (467/3216) of African American c hromosomes from a broad population by the NHLBI Exome Sequencing Project (dbSNP rs3027585)

Breakthrough Genomics
Classification: Likely benign. Review status: criteria provided, single submitter. Criteria: ACMG Guidelines, 2015. Collection method: not provided. Allele origin: germline. Inheritance: X-linked inheritance. Affected: yes.

PreventionGenetics, part of Exact Sciences
Classification: Benign. Review status: criteria provided, single submitter. Criteria: ACMG Guidelines, 2015. Collection method: clinical testing. Allele origin: germline.

Mayo Clinic Laboratories, Mayo Clinic
Classification: Benign. Last evaluated: 2016-12-30. Review status: no assertion criteria provided. Collection method: clinical testing. Allele origin: unknown. Not counted in ClinVar's aggregate classification.

Clinical Genetics DNA and cytogenetics Diagnostics Lab, Erasmus MC, Erasmus Medical Center
Classification: Benign. Review status: no assertion criteria provided. Collection method: clinical testing. Allele origin: germline. Affected: yes. Study: VKGL Data-share Consensus. Not counted in ClinVar's aggregate classification.

Clinical Genetics, Academic Medical Center
Classification: Benign. Review status: no assertion criteria provided. Collection method: clinical testing. Allele origin: germline. Affected: yes. Study: VKGL Data-share Consensus. Not counted in ClinVar's aggregate classification.

Genome Diagnostics Laboratory, University Medical Center Utrecht
Classification: Benign. Review status: no assertion criteria provided. Collection method: clinical testing. Allele origin: germline. Affected: yes. Study: VKGL Data-share Consensus. Not counted in ClinVar's aggregate classification.

Joint Genome Diagnostic Labs from Nijmegen and Maastricht, Radboudumc and MUMC+
Classification: Likely benign. Review status: no assertion criteria provided. Collection method: clinical testing. Allele origin: germline. Affected: yes. Study: VKGL Data-share Consensus. Not counted in ClinVar's aggregate classification.

NM_000169.3(GLA):c.-12G>A

Genes: GLA (galactosidase alpha; minus strand), RPL36A-HNRNPH2 (RPL36A-HNRNPH2 readthrough; plus strand). Cytogenetic location: Xq22.1.
Variant type: single nucleotide variant.
Coding change: c.-12G>A on transcript NM_000169.3 (MANE Select); 12 bases upstream of the start codon, G replaced by A.
Molecular consequence: 5 prime UTR variant. On other transcripts: non-coding transcript variant (3), intron variant (2).
Genome position (GRCh38, 1-based): chrX:101,407,915, C>T on the plus strand (G>A on the coding strand, the complement: GLA is on the minus strand). VCF-style: chrX-101407915-C-T. GRCh37 (hg19) VCF-style: chrX-100662903-C-T.
Other names: c.-12G>A (NM_001406747.1, NM_001406748.1, NM_001406749.1); c.301-4021C>T (NM_001199973.2); c.178-4021C>T (NM_001199974.2).
Identifiers: ClinVar variation 42449 (VCV000042449.32), dbSNP rs3027585, ClinGen allele CA021511.
Genomic context (GRCh38, chrX:101,407,915, plus strand): 5'-GAAGCGCAAGCGCGCAGCCCAGATGTAGTTCTGGGTTCCTCAGCTGCATTGTCACGGTGA[C>T]CGGACAGCATAAATTTCCGCGGGTAACCTGGGCTTTTAAGATTAACCTCAGGGGCGGACC-3'